The following is an entry in ClinVar:

ClinVar aggregate classification (germline): Likely benign. Review status: criteria provided, single submitter (1 of 4 stars). 2 submissions from 2 submitters: Likely benign (1). 1 of the submissions does not count toward it. Last evaluated 2025-08-14.

Conditions:
INPP5E-related disorder. Also called: INPP5E-related condition.
Joubert syndrome. Also called: CEREBELLOPARENCHYMAL DISORDER IV; JOUBERT-BOLTSHAUSER SYNDROME; Familial aplasia of the vermis. Identifiers: Orphanet 475, MedGen C5979921, MONDO:0018772.

Allele frequency attached by ClinVar (database versions not stated): gnomAD exomes 0.00002 and 0.00001; TOPMed 0.00002; gnomAD 0.00001; ExAC 0.00002; ESP Exome Variant Server 0.00008.
gnomAD v4.1: 9 of 1,612,558 alleles (0.00056%); highest among the groups gnomAD compares: Admixed American, 0.0017%; no homozygotes.

Submissions (2):

Labcorp Genetics (formerly Invitae), Labcorp
Classification: Likely benign for Joubert syndrome. Last evaluated: 2025-08-14. Review status: criteria provided, single submitter. Criteria: Invitae Variant Classification Sherloc (09022015). Collection method: clinical testing. Allele origin: germline.

PreventionGenetics, part of Exact Sciences
Classification: Likely benign for INPP5E-related condition. Last evaluated: 2023-05-17. Review status: no assertion criteria provided. Collection method: clinical testing. Allele origin: germline. Not counted in ClinVar's aggregate classification.
Comment: This variant is classified as likely benign based on ACMG/AMP sequence variant interpretation guidelines (Richards et al. 2015 PMID: 25741868, with internal and published modifications).

NM_019892.6(INPP5E):c.1641C>T (p.Ser547=)

Gene: INPP5E (inositol polyphosphate-5-phosphatase E; minus strand). Cytogenetic location: 9q34.3.
Variant type: single nucleotide variant.
Coding change: c.1641C>T on transcript NM_019892.6 (MANE Select); coding-DNA position 1641, C replaced by T.
Protein change: p.Ser547=; no amino-acid change (serine 547 retained).
Molecular consequence: synonymous variant.
Genome position (GRCh38, 1-based): chr9:136,431,026, G>A on the plus strand (C>T on the coding strand, the complement: INPP5E is on the minus strand). VCF-style: chr9-136431026-G-A. GRCh37 (hg19) VCF-style: chr9-139325478-G-A.
Other names: c.1638C>T, p.Ser546= (NM_001318502.2); c.1641C>T (NM_019892.5).
Identifiers: ClinVar variation 1132409 (VCV001132409.10), dbSNP rs376485593, ClinGen allele CA5336708.